The following is an entry in ClinVar:

NM_005708.5(GPC6):c.1217T>C (p.Ile406Thr)

Gene: GPC6 (glypican 6; plus strand). Cytogenetic location: 13q31.3.
Variant type: single nucleotide variant.
Coding change: c.1217T>C on transcript NM_005708.5 (MANE Select); coding-DNA position 1217, T replaced by C.
Protein change: p.Ile406Thr; replaces isoleucine 406 with threonine.
Molecular consequence: missense variant.
Genome position (GRCh38, 1-based): chr13:94,382,478, T>C. VCF-style: chr13-94382478-T-C. GRCh37 (hg19) VCF-style: chr13-95034732-T-C.
Other names: c.1217T>C (NM_005708.3); short protein forms I406T.
Identifiers: ClinVar variation 2197715 (VCV002197715.4), dbSNP rs572033876, ClinGen allele CA7017119.

ClinVar aggregate classification (germline): Uncertain significance. Review status: criteria provided, multiple submitters, no conflicts (2 of 4 stars). 2 submissions from 2 submitters: Uncertain significance (2). Last evaluated 2025-05-04.

Conditions:
Inborn genetic diseases. Identifiers: MedGen C0950123, MeSH D030342.

Allele frequency attached by ClinVar (database versions not stated): ExAC 0.00007; TOPMed 0.00010; gnomAD exomes 0.00007; gnomAD 0.00009.
gnomAD v4.1: 111 of 1,614,056 alleles (0.0069%); highest among the groups gnomAD compares: Admixed American, 0.01%; no homozygotes.

Submissions (2):

Ambry Genetics
Classification: Uncertain significance for Inborn genetic diseases. Last evaluated: 2025-05-04. Review status: criteria provided, single submitter. Criteria: Ambry Variant Classification Scheme 2023. Collection method: clinical testing. Allele origin: germline.

Labcorp Genetics (formerly Invitae), Labcorp
Classification: Uncertain significance. Last evaluated: 2023-10-03. Review status: criteria provided, single submitter. Criteria: Invitae Variant Classification Sherloc (09022015). Collection method: clinical testing. Allele origin: germline.
Comment: This sequence change replaces isoleucine, which is neutral and non-polar, with threonine, which is neutral and polar, at codon 406 of the GPC6 protein (p.Ile406Thr). This variant is present in population databases (rs572033876, gnomAD 0.02%). This variant has not been reported in the literature in individuals affected with GPC6-related conditions. ClinVar contains an entry for this variant (Variation ID: 2197715). Advanced modeling of protein sequence and biophysical properties (such as structural, functional, and spatial information, amino acid conservation, physicochemical variation, residue mobility, and thermodynamic stability) performed at Invitae indicates that this missense variant is not expected to disrupt GPC6 protein function. In summary, the available evidence is currently insufficient to determine the role of this variant in disease. Therefore, it has been classified as a Variant of Uncertain Significance.